The following is an entry in ClinVar:

NM_000038.6(APC):c.4553A>G (p.Lys1518Arg)

Gene: APC (APC regulator of Wnt signaling pathway; plus strand). Cytogenetic location: 5q22.2.
Variant type: single nucleotide variant.
Coding change: c.4553A>G on transcript NM_000038.6 (MANE Select); coding-DNA position 4553, A replaced by G.
Protein change: p.Lys1518Arg; replaces lysine 1518 with arginine.
Molecular consequence: missense variant.
Genome position (GRCh38, 1-based): chr5:112,840,147, A>G. VCF-style: chr5-112840147-A-G. GRCh37 (hg19) VCF-style: chr5-112175844-A-G.
Other names: c.4553A>G, p.Lys1518Arg (NM_001127510.3, NM_001354895.2); c.4499A>G, p.Lys1500Arg (NM_001127511.3); c.4607A>G, p.Lys1536Arg (NM_001354896.2); c.4583A>G, p.Lys1528Arg (NM_001354897.2); c.4478A>G, p.Lys1493Arg (NM_001354898.2); c.4469A>G, p.Lys1490Arg (NM_001354899.2); c.4430A>G, p.Lys1477Arg (NM_001354900.2); c.4376A>G, p.Lys1459Arg (NM_001354901.2); and 5 more; short protein forms K1500R, K1518R, K1358R, K1477R, K1490R, K1235R, K1392R, K1417R.
Identifiers: ClinVar variation 489452 (VCV000489452.6), dbSNP rs1554085963, ClinGen allele CA16031297.

ClinVar aggregate classification (germline): Uncertain significance (1 of 4 stars; one submission).

Conditions:
Hereditary cancer-predisposing syndrome. Also called: Hereditary Cancer Syndrome; Neoplastic Syndromes, Hereditary; Tumor predisposition; Hereditary neoplastic syndrome. Identifiers: Orphanet 140162, MedGen C0027672, MeSH D009386, MONDO:0015356.

Allele frequency attached by ClinVar (database versions not stated): gnomAD exomes below 0.00001.
gnomAD v4.1: 1 of 1,614,196 alleles (0.000062%); highest among the groups gnomAD compares: South Asian, 0.0011%; no homozygotes.

Submission:

Color Diagnostics, LLC DBA Color Health
Classification: Uncertain significance for Hereditary cancer-predisposing syndrome. Last evaluated: 2023-12-05. Review status: criteria provided, single submitter. Criteria: ACMG Guidelines, 2015. Collection method: clinical testing. Allele origin: germline.
Comment: This missense variant replaces lysine with arginine at codon 1518 of the APC protein. Computational prediction suggests that this variant may not impact protein structure and function (internally defined REVEL score threshold <= 0.5, PMID: 27666373). To our knowledge, functional studies have not been reported for this variant. This variant has not been reported in individuals affected with APC-related disorders in the literature. This variant has not been identified in the general population by the Genome Aggregation Database (gnomAD). The available evidence is insufficient to determine the role of this variant in disease conclusively. Therefore, this variant is classified as a Variant of Uncertain Significance.